The following is an entry in ClinVar:

ClinVar aggregate classification (germline): Likely benign (1 of 4 stars; one submission).

Conditions:
Lynch syndrome 4 (LYNCH4). Also called: Colorectal cancer, hereditary nonpolyposis, type 4; Hereditary non-polyposis colorectal cancer, type 4. Identifiers: Orphanet 144, MedGen C1838333, MONDO:0013699, OMIM 614337. Disease mechanism: loss of function.

Submission:

Myriad Genetics, Inc.
Classification: Likely benign for Lynch syndrome 4. Last evaluated: 2025-01-24. Review status: criteria provided, single submitter. Criteria: Myriad Autosomal Dominant, Autosomal Recessive and X-Linked Classification Criteria (2023). Collection method: clinical testing. Allele origin: unknown.
Comment: This variant is considered likely benign. This variant is intronic and is not expected to impact mRNA splicing.

NM_000535.7(PMS2):c.251-12A>G

Gene: PMS2 (PMS1 homolog 2, mismatch repair system component; minus strand). Cytogenetic location: 7p22.1.
Variant type: single nucleotide variant.
Coding change: c.251-12A>G on transcript NM_000535.7 (MANE Select); 12 bases into the intron before coding-DNA position 251, A replaced by G.
Molecular consequence: intron variant. On other transcripts: missense variant (1).
Genome position (GRCh38, 1-based): chr7:6,003,804, T>C on the plus strand (A>G on the coding strand, the complement: PMS2 is on the minus strand). VCF-style: chr7-6003804-T-C. GRCh37 (hg19) VCF-style: chr7-6043435-T-C.
Other names: c.263A>G, p.His88Arg (NM_001406868.1); c.35+168A>G (NM_001322008.2, NM_001406902.1, NM_001406883.1 and 4 more transcripts); c.-132+168A>G (NM_001406881.1, NM_001406900.1); c.-102-12A>G (NM_001406895.1, NM_001406904.1, NM_001406889.1 and 6 more transcripts); c.-155-12A>G (NM_001406911.1, NM_001322010.2, NM_001322004.2 and 13 more transcripts); c.-234-12A>G (NM_001406879.1, NM_001322015.2, NM_001406878.1 and 3 more transcripts); c.-634-12A>G (NM_001322012.2, NM_001322011.2); c.-52-1168A>G (NM_001406896.1); and 5 more; short protein forms H88R.
Identifiers: ClinVar variation 3904150 (VCV003904150.1).